The following is an entry in ClinVar:

NM_004629.2(FANCG):c.1597G>C (p.Ala533Pro)

Gene: FANCG (FA complementation group G; minus strand). Cytogenetic location: 9p13.3.
Variant type: single nucleotide variant.
Coding change: c.1597G>C on transcript NM_004629.2 (MANE Select); coding-DNA position 1597, G replaced by C.
Protein change: p.Ala533Pro; replaces alanine 533 with proline.
Molecular consequence: missense variant.
Genome position (GRCh38, 1-based): chr9:35,074,966, C>G on the plus strand (G>C on the coding strand, the complement: FANCG is on the minus strand). VCF-style: chr9-35074966-C-G. GRCh37 (hg19) VCF-style: chr9-35074963-C-G.
Other names: short protein forms A533P.
Identifiers: ClinVar variation 5036519 (VCV005036519.1).

ClinVar aggregate classification (germline): Uncertain significance (1 of 4 stars; one submission).

Conditions:
Inborn genetic diseases. Identifiers: MedGen C0950123, MeSH D030342.

Submission:

Ambry Genetics
Classification: Uncertain significance for Inborn genetic diseases. Last evaluated: 2026-07-28. Review status: criteria provided, single submitter. Criteria: Ambry Variant Classification Scheme 2023. Collection method: clinical testing. Allele origin: germline.
Comment: The p.A533P variant (also known as c.1597G>C), located in coding exon 12 of the FANCG gene, results from a G to C substitution at nucleotide position 1597. The alanine at codon 533 is replaced by proline, an amino acid with highly similar properties. This amino acid position is conserved. In addition, this alteration is predicted to be deleterious by in silico analysis. Based on the available evidence, the clinical significance of this variant remains unclear.